The following is an entry in ClinVar:

ClinVar aggregate classification (germline): Pathogenic. Review status: criteria provided, multiple submitters, no conflicts (2 of 4 stars). 9 submissions from 9 submitters: Pathogenic (6). 3 of the submissions do not count toward it. Last evaluated 2025-11-12.

Conditions:
Congenital hypothyroidism. Identifiers: Orphanet 442, MedGen C0010308, MONDO:0018612, HP:0000851.
Deficiency of iodide peroxidase (TDH2A). Also called: IODIDE PEROXIDASE DEFICIENCY; THYROID HORMONOGENESIS, GENETIC DEFECT IN, 2A; THYROID PEROXIDASE DEFICIENCY; Thyroid dyshormonogenesis 2A; HYPOTHYROIDISM, CONGENITAL, DUE TO DYSHORMONOGENESIS, 2A. Identifiers: Orphanet 95716, MedGen C1291299, MONDO:0010133, OMIM 274500.

Allele frequency attached by ClinVar (database versions not stated): ExAC 0.00010; gnomAD exomes 0.00010 and 0.00017; gnomAD 0.00012 and 0.00014; TOPMed 0.00015.
gnomAD v4.1: 268 of 1,614,020 alleles (0.017%); highest among the groups gnomAD compares: Non-Finnish European, 0.021%; no homozygotes.

Submissions (9):

GeneDx
Classification: Pathogenic. Last evaluated: 2025-11-12. Review status: criteria provided, single submitter. Criteria: GeneDx Variant Classification Process June 2021. Collection method: clinical testing. Allele origin: germline. Affected: yes.
Comment: Published functional studies demonstrate loss of enzyme activity (PMID: 9024270); In silico analysis supports that this missense variant has a deleterious effect on protein structure/function; This variant is associated with the following publications: (PMID: 27525530, 34200080, 16684826, 16150286, 7550241, 23512414, 31980526, 31589614, 33144682, 33368191, 9024270, 11061528)

CeGaT Center for Human Genetics Tuebingen
Classification: Pathogenic. Last evaluated: 2025-01-01. Review status: criteria provided, single submitter. Criteria: CeGaT Center For Human Genetics Tuebingen Variant Classification Criteria Version 2. Collection method: clinical testing. Allele origin: germline. Affected: yes. Observed: 2 variant alleles.
Comment: TPO: PM3:Very Strong, PM2, PS3:Supporting

Labcorp Genetics (formerly Invitae), Labcorp
Classification: Pathogenic. Last evaluated: 2024-03-13. Review status: criteria provided, single submitter. Criteria: Invitae Variant Classification Sherloc (09022015). Collection method: clinical testing. Allele origin: germline.
Comment: This sequence change replaces tyrosine, which is neutral and polar, with aspartic acid, which is acidic and polar, at codon 453 of the TPO protein (p.Tyr453Asp). This variant is present in population databases (rs121908083, gnomAD 0.02%). This missense change has been observed in individual(s) with congenital hypothyroidism (PMID: 7550241, 16684826, 27525530). In at least one individual the data is consistent with being in trans (on the opposite chromosome) from a pathogenic variant. It has also been observed to segregate with disease in related individuals. This variant is also known as 1447T>G. ClinVar contains an entry for this variant (Variation ID: 4044). Advanced modeling of protein sequence and biophysical properties (such as structural, functional, and spatial information, amino acid conservation, physicochemical variation, residue mobility, and thermodynamic stability) has been performed at Invitae for this missense variant, however the output from this modeling did not meet the statistical confidence thresholds required to predict the impact of this variant on TPO protein function. For these reasons, this variant has been classified as Pathogenic.

Cambridge Genomics Laboratory, East Genomic Laboratory Hub, NHS Genomic Medicine Service
Classification: Pathogenic for Congenital hypothyroidism. Last evaluated: 2024-01-31. Review status: criteria provided, single submitter. Criteria: ACGS Best Practice Guidelines for Variant Classification in Rare Disease 2020. Collection method: clinical testing. Allele origin: germline. Affected: yes.
Comment: The p.Tyr453Asp variant is novel (not in any individuals) in 1kG All. The p.Tyr453Asp variant is observed in 13/68.026 (0.0191%) alleles from individuals of gnomAD Genomes v3 Non Finnish European background in gnomAD Genomes v3 All. (PM2 - Moderate) | The p.Tyr453Asp missense variant is predicted to be damaging by both SIFT and PolyPhen2. The tyrosine residue at codon 453 of TPO is conserved in all mammalian species. The nucleotide c.1357 in TPO is predicted conserved by GERP++ and PhyloP across 100 vertebrates. (PP3 - Supporting) | The variant is observed in trans (in a compound heterozygous state) with another pathogenic variant. (PM3_Strong - Strong) | The patient's phenotype or family history is highly specific for a disease with a single genetic etiology. (PP4 - Supporting)

Revvity Omics, Revvity
Classification: Pathogenic. Last evaluated: 2023-12-01. Review status: criteria provided, single submitter. Criteria: ACMG Guidelines, 2015. Collection method: clinical testing. Allele origin: germline.

Fulgent Genetics
Classification: Pathogenic for Deficiency of iodide peroxidase. Last evaluated: 2021-10-30. Review status: criteria provided, single submitter. Criteria: ACMG Guidelines, 2015. Collection method: clinical testing. Allele origin: unknown.

OMIM
Classification: Pathogenic for THYROID DYSHORMONOGENESIS 2A. Last evaluated: 1995-01-01. Review status: no assertion criteria provided. Collection method: literature only. Allele origin: germline. Not counted in ClinVar's aggregate classification.

Clinical Genetics DNA and cytogenetics Diagnostics Lab, Erasmus MC, Erasmus Medical Center
Classification: Likely pathogenic. Review status: no assertion criteria provided. Collection method: clinical testing. Allele origin: germline. Affected: yes. Study: VKGL Data-share Consensus. Not counted in ClinVar's aggregate classification.

Clinical Genetics, Academic Medical Center
Classification: Pathogenic. Review status: no assertion criteria provided. Collection method: clinical testing. Allele origin: germline. Affected: yes. Study: VKGL Data-share Consensus. Not counted in ClinVar's aggregate classification.

Literature cited by the submitters: PubMed 7550241 (cited by Labcorp Genetics (formerly Invitae), Labcorp and OMIM); PubMed 16684826 (cited by Labcorp Genetics (formerly Invitae), Labcorp); PubMed 27525530 (cited by Labcorp Genetics (formerly Invitae), Labcorp).

NM_001206744.2(TPO):c.1357T>G (p.Tyr453Asp)

Gene: TPO (thyroid peroxidase; plus strand). Cytogenetic location: 2p25.3.
Variant type: single nucleotide variant.
Coding change: c.1357T>G on transcript NM_001206744.2 (MANE Select); coding-DNA position 1357, T replaced by G.
Protein change: p.Tyr453Asp; replaces tyrosine 453 with aspartic acid.
Molecular consequence: missense variant.
Genome position (GRCh38, 1-based): chr2:1,484,614, T>G. VCF-style: chr2-1484614-T-G. GRCh37 (hg19) VCF-style: chr2-1488386-T-G.
Other names: c.1357T>G, p.Tyr453Asp (NM_000547.6, NM_001206745.2, NM_175719.4 and 1 more transcripts); c.838T>G, p.Tyr280Asp (NM_175722.3); short protein forms Y453D, Y280D.
Identifiers: ClinVar variation 4044 (VCV000004044.32), dbSNP rs121908083, ClinGen allele CA116630.